The following is an entry in ClinVar:

NM_000528.4(MAN2B1):c.1534del (p.Val512fs)

Gene: MAN2B1 (mannosidase alpha class 2B member 1; minus strand). Cytogenetic location: 19p13.13.
Variant type: Deletion.
Coding change: c.1534del on transcript NM_000528.4 (MANE Select); coding-DNA position 1534, one base deleted (G; older notation c.1534delG).
Protein change: p.Val512fs; shifts the reading frame from valine 512.
Molecular consequence: frameshift variant.
Genome position (GRCh38, 1-based): chr19:12,656,681, C deleted on the plus strand (G on the coding strand, the reverse complement: MAN2B1 is on the minus strand); the first of 2 consecutive C bases (chr19:12,656,681-12,656,682); deleting either gives the same sequence. VCF-style (leftmost placement, unchanged base first): chr19-12656680-AC-A. GRCh37 (hg19) VCF-style: chr19-12767494-AC-A.
Other names: c.1531del, p.Val511fs (NM_001173498.2); short protein forms V512fs, V511fs.
Identifiers: ClinVar variation 948285 (VCV000948285.9), dbSNP rs2023968643, ClinGen allele CA1139666295.

ClinVar aggregate classification (germline): Pathogenic. Review status: criteria provided, multiple submitters, no conflicts (2 of 4 stars). 2 submissions from 2 submitters: Pathogenic (2). Last evaluated 2021-09-15.

Conditions:
Deficiency of alpha-mannosidase (MANSA). Also called: Mannosidosis, alpha-, types I and II; LYSOSOMAL ALPHA-D-MANNOSIDASE DEFICIENCY; Alpha-Mannosidosis. Identifiers: Orphanet 61, MedGen C0024748, MONDO:0009561, OMIM 248500.

Submissions (2):

Labcorp Genetics (formerly Invitae), Labcorp
Classification: Pathogenic for Deficiency of alpha-mannosidase. Last evaluated: 2021-09-15. Review status: criteria provided, single submitter. Criteria: Invitae Variant Classification Sherloc (09022015). Collection method: clinical testing. Allele origin: germline.
Comment: For these reasons, this variant has been classified as Pathogenic. Algorithms developed to predict the effect of sequence changes on RNA splicing suggest that this variant may create or strengthen a splice site. ClinVar contains an entry for this variant (Variation ID: 948285). This variant has not been reported in the literature in individuals affected with MAN2B1-related conditions. This variant is not present in population databases (ExAC no frequency). This sequence change creates a premature translational stop signal (p.Val512Serfs*11) in the MAN2B1 gene. It is expected to result in an absent or disrupted protein product. Loss-of-function variants in MAN2B1 are known to be pathogenic (PMID: 9915946, 22161967).

Genome-Nilou Lab
Classification: Pathogenic for Deficiency of alpha-mannosidase. Last evaluated: 2021-09-05. Review status: criteria provided, single submitter. Criteria: ACMG Guidelines, 2015. Collection method: clinical testing. Allele origin: germline. Affected: no.

Literature cited by the submitters: PubMed 9915946 (cited by Labcorp Genetics (formerly Invitae), Labcorp); PubMed 22161967 (cited by Labcorp Genetics (formerly Invitae), Labcorp).